The following is an entry in ClinVar:

ClinVar aggregate classification (germline): Pathogenic. Review status: criteria provided, single submitter (1 of 4 stars). 3 submissions from 3 submitters: Pathogenic (1). 2 of the submissions do not count toward it. Last evaluated 2022-09-23.

Conditions:
Epidermolysis bullosa simplex 1C, localized. Also called: EBS, ACRAL FORM; EPIDERMOLYSIS BULLOSA OF HANDS AND FEET; Weber-Cockayne Syndrome; Epidermolysis Bullosa Simplex, Weber-Cockayne Type; Localized epidermolysis bullosa simplex. Identifiers: Orphanet 79400, MedGen C0080333, MONDO:0007551, OMIM 131800.

Submissions (3):

Labcorp Genetics (formerly Invitae), Labcorp
Classification: Pathogenic. Last evaluated: 2022-09-23. Review status: criteria provided, single submitter. Criteria: Invitae Variant Classification Sherloc (09022015). Collection method: clinical testing. Allele origin: germline.
Comment: For these reasons, this variant has been classified as Pathogenic. This sequence change replaces methionine, which is neutral and non-polar, with isoleucine, which is neutral and non-polar, at codon 119 of the KRT14 protein (p.Met119Ile). This variant is not present in population databases (gnomAD no frequency). This missense change has been observed in individual(s) with autosomal dominant epidermolysis bullosa simplex (PMID: 7561171, 23746086). ClinVar contains an entry for this variant (Variation ID: 14620). Advanced modeling of protein sequence and biophysical properties (such as structural, functional, and spatial information, amino acid conservation, physicochemical variation, residue mobility, and thermodynamic stability) performed at Invitae indicates that this missense variant is expected to disrupt KRT14 protein function. This variant disrupts the p.Met119 amino acid residue in KRT14. Other variant(s) that disrupt this residue have been determined to be pathogenic (PMID: 11710919). This suggests that this residue is clinically significant, and that variants that disrupt this residue are likely to be disease-causing.

OMIM
Classification: Pathogenic for EPIDERMOLYSIS BULLOSA SIMPLEX 1C, LOCALIZED. Last evaluated: 1997-09-01. Review status: no assertion criteria provided. Collection method: literature only. Allele origin: germline. Not counted in ClinVar's aggregate classification.

Epithelial Biology;  Institute of Medical Biology, Singapore
No classification provided. Review status: no classification provided. Collection method: not provided. Allele origin: not provided. Not counted in ClinVar's aggregate classification.

Literature cited by the submitters: PubMed 7561171 (cited by Labcorp Genetics (formerly Invitae), Labcorp and OMIM); PubMed 23746086 (cited by Labcorp Genetics (formerly Invitae), Labcorp); PubMed 11710919 (cited by Labcorp Genetics (formerly Invitae), Labcorp and OMIM); PubMed 9284105 (cited by OMIM).

NM_000526.5(KRT14):c.357G>A (p.Met119Ile)

Gene: KRT14 (keratin 14; minus strand). Cytogenetic location: 17q21.2.
Variant type: single nucleotide variant.
Coding change: c.357G>A on transcript NM_000526.5 (MANE Select); coding-DNA position 357, G replaced by A.
Protein change: p.Met119Ile; replaces methionine 119 with isoleucine.
Molecular consequence: missense variant.
Genome position (GRCh38, 1-based): chr17:41,586,478, C>T on the plus strand (G>A on the coding strand, the complement: KRT14 is on the minus strand). VCF-style: chr17-41586478-C-T. GRCh37 (hg19) VCF-style: chr17-39742730-C-T.
Other names: short protein forms M119I.
Identifiers: ClinVar variation 14620 (VCV000014620.9), dbSNP rs57358989, ClinGen allele CA216903.